The following is an entry in ClinVar:

NM_005559.4(LAMA1):c.6413A>G (p.Asn2138Ser)

Gene: LAMA1 (laminin subunit alpha 1; minus strand). Cytogenetic location: 18p11.31.
Variant type: single nucleotide variant.
Coding change: c.6413A>G on transcript NM_005559.4 (MANE Select); coding-DNA position 6413, A replaced by G.
Protein change: p.Asn2138Ser; replaces asparagine 2138 with serine.
Molecular consequence: missense variant.
Genome position (GRCh38, 1-based): chr18:6,976,013, T>C on the plus strand (A>G on the coding strand, the complement: LAMA1 is on the minus strand). VCF-style: chr18-6976013-T-C. GRCh37 (hg19) VCF-style: chr18-6976012-T-C.
Other names: c.6413A>G (NM_005559.3); short protein forms N2138S.
Identifiers: ClinVar variation 1921559 (VCV001921559.7), dbSNP rs747754402, ClinGen allele CA8881250.

ClinVar aggregate classification (germline): Uncertain significance. Review status: criteria provided, multiple submitters, no conflicts (2 of 4 stars). 2 submissions from 2 submitters: Uncertain significance (2). Last evaluated 2023-01-23.

Conditions:
Inborn genetic diseases. Identifiers: MedGen C0950123, MeSH D030342.

Allele frequency attached by ClinVar (database versions not stated): gnomAD 0.00001; TOPMed 0.00001; ExAC 0.00002; gnomAD exomes 0.00004.
gnomAD v4.1: 58 of 1,614,076 alleles (0.0036%); highest among the groups gnomAD compares: Non-Finnish European, 0.0048%; no homozygotes.

Submissions (2):

Ambry Genetics
Classification: Uncertain significance for Inborn genetic diseases. Last evaluated: 2023-01-23. Review status: criteria provided, single submitter. Criteria: Ambry Variant Classification Scheme 2023. Collection method: clinical testing. Allele origin: germline.

Labcorp Genetics (formerly Invitae), Labcorp
Classification: Uncertain significance. Last evaluated: 2022-08-09. Review status: criteria provided, single submitter. Criteria: Invitae Variant Classification Sherloc (09022015). Collection method: clinical testing. Allele origin: germline.
Comment: In summary, the available evidence is currently insufficient to determine the role of this variant in disease. Therefore, it has been classified as a Variant of Uncertain Significance. Algorithms developed to predict the effect of missense changes on protein structure and function are either unavailable or do not agree on the potential impact of this missense change (SIFT: "Tolerated"; PolyPhen-2: "Probably Damaging"; Align-GVGD: "Class C0"). This variant has not been reported in the literature in individuals affected with LAMA1-related conditions. This variant is present in population databases (rs747754402, gnomAD 0.004%). This sequence change replaces asparagine, which is neutral and polar, with serine, which is neutral and polar, at codon 2138 of the LAMA1 protein (p.Asn2138Ser).